The following is an entry in ClinVar:

NM_000359.3(TGM1):c.92del (p.Pro31fs)

Gene: TGM1 (transglutaminase 1; minus strand). Cytogenetic location: 14q12.
Variant type: Deletion.
Coding change: c.92del on transcript NM_000359.3 (MANE Select); coding-DNA position 92, one base deleted (C; older notation c.92delC).
Protein change: p.Pro31fs; shifts the reading frame from proline 31.
Molecular consequence: frameshift variant.
Genome position (GRCh38, 1-based): chr14:24,262,261, G deleted on the plus strand (C on the coding strand, the reverse complement: TGM1 is on the minus strand); the first of 2 consecutive G bases (chr14:24,262,261-24,262,262); deleting either gives the same sequence. VCF-style (leftmost placement, unchanged base first): chr14-24262260-TG-T. GRCh37 (hg19) VCF-style: chr14-24731466-TG-T.
Other names: short protein forms P31fs.
Identifiers: ClinVar variation 5016137 (VCV005016137.1).
Genomic context (GRCh38, chr14:24,262,260, plus strand): 5'-ACAGCAGCCACAGCAGCGAGCCCAGAAGGAACGGCCTCCTCCTCTGCGAGAGCGTCCGTC[TG>T]GCTCTGGCTCTGGCTCTGGAGATGGCGTGGTAGGGGGCTGCAAGGGGTTGCCACCCCAAC-3'

ClinVar aggregate classification (germline): Pathogenic (1 of 4 stars; one submission).

Conditions:
Autosomal recessive congenital ichthyosis 1 (LI1). Also called: COLLODION FETUS; DESQUAMATION OF NEWBORN; ICHTHYOSIS CONGENITA; ICHTHYOSIS CONGENITA II; LAMELLAR EXFOLIATION OF NEWBORN; ICHTHYOSIS, CONGENITAL, AUTOSOMAL RECESSIVE 1, WITH BATHING SUIT DISTRIBUTION. Identifiers: MedGen C4551630, MONDO:0009441, OMIM 242300.

Submission:

Myriad Genetics, Inc.
Classification: Pathogenic for Autosomal recessive congenital ichthyosis 1. Last evaluated: 2026-07-17. Review status: criteria provided, single submitter. Criteria: Myriad Autosomal Dominant, Autosomal Recessive and X-Linked Classification Criteria (2023). Collection method: clinical testing. Allele origin: unknown.
Comment: NM_000359.2(TGM1):c.92delC(P31Qfs*80) is expected to be pathogenic in the context of TGM1-related autosomal recessive congenital ichthyosis. This variant is predicted to lead to an abnormal or absent protein product due to the creation of a premature termination codon in TGM1, a gene where loss-of-function variants are known to be pathogenic. Please note: this variant was assessed in the context of healthy population screening.